The following is an entry in ClinVar:

ClinVar aggregate classification (germline): Likely pathogenic (1 of 4 stars; one submission).

Conditions:
X-linked mixed hearing loss with perilymphatic gusher. Also called: Deafness, X-linked 2; NANCE DEAFNESS; PERILYMPHATIC GUSHER-DEAFNESS SYNDROME; SENSORINEURAL DEAFNESS, PROFOUND, WITH OR WITHOUT A CONDUCTIVE COMPONENT, ASSOCIATED WITH A UNIQUE DEVELOPMENTAL ABNORMALITY OF THE EAR; Gusher syndrome. Identifiers: Orphanet 383, MedGen C1844678, MONDO:0010576, OMIM 304400.

Submission:

Institute of Rare Diseases, West China Hospital, Sichuan University
Classification: Likely pathogenic for X-linked mixed hearing loss with perilymphatic gusher. Last evaluated: 2025-01-09. Review status: criteria provided, single submitter. Criteria: ClinGen HL ACMG Specifications v1. Collection method: research. Allele origin: germline. Affected: yes.
Comment: PM1;PM3_Supporting;PM5;PP4;PM2_Supporting;PP3

NM_000307.5(POU3F4):c.844C>T (p.Arg282Trp)

Gene: POU3F4 (POU class 3 homeobox 4; plus strand). Cytogenetic location: Xq21.1.
Variant type: single nucleotide variant.
Coding change: c.844C>T on transcript NM_000307.5 (MANE Select); coding-DNA position 844, C replaced by T.
Protein change: p.Arg282Trp; replaces arginine 282 with tryptophan.
Molecular consequence: missense variant.
Genome position (GRCh38, 1-based): chrX:83,509,168, C>T. VCF-style: chrX-83509168-C-T. GRCh37 (hg19) VCF-style: chrX-82764176-C-T.
Other names: short protein forms R282W.
Identifiers: ClinVar variation 3601678 (VCV003601678.1).